The following is an entry in ClinVar:

NM_005188.4(CBL):c.2316T>G (p.Asp772Glu)

Gene: CBL (Cbl proto-oncogene; plus strand). Cytogenetic location: 11q23.3.
Variant type: single nucleotide variant.
Coding change: c.2316T>G on transcript NM_005188.4 (MANE Select); coding-DNA position 2316, T replaced by G.
Protein change: p.Asp772Glu; replaces aspartic acid 772 with glutamic acid.
Molecular consequence: missense variant.
Genome position (GRCh38, 1-based): chr11:119,298,422, T>G. VCF-style: chr11-119298422-T-G. GRCh37 (hg19) VCF-style: chr11-119169132-T-G.
Other names: c.2316T>G (NM_005188.2); short protein forms D772E.
Identifiers: ClinVar variation 477707 (VCV000477707.19), dbSNP rs774428573, ClinGen allele CA6318749.
Genomic context (GRCh38, chr11:119,298,422, plus strand): 5'-AGGGAATTTGGCCGCAGCCCATGCCAACACTGGTCCCGAGGAGTCAGAAAATGAGGATGA[T>G]GGGTATGATGTCCCAAAGCCACCTGTGCCGGCCGTGCTGGCCCGCCGAACTCTCTCAGAT-3'
Protein context (NP_005179.2, residues 762-782): TGPEESENED[Asp772Glu]GYDVPKPPVP

ClinVar aggregate classification (germline): Benign/Likely benign. Review status: criteria provided, multiple submitters, no conflicts (2 of 4 stars). 5 submissions from 5 submitters: Benign (2); Likely benign (2). 1 of the submissions does not count toward it. Last evaluated 2025-12-30.

Conditions:
CBL-related disorder. Also called: NOONAN SYNDROME-LIKE DISORDER WITHOUT JUVENILE MYELOMONOCYTIC LEUKEMIA; CBL MUTATION-ASSOCIATED SYNDROME; CBL SYNDROME. Identifiers: Orphanet 363972, MedGen C3150803, MONDO:0013308, OMIM 613563.
RASopathy. Also called: rasopathies; Noonan spectrum disorder. Identifiers: Orphanet 536391, MedGen C5555857, MONDO:0021060.

Allele frequency attached by ClinVar (database versions not stated): gnomAD 0.00001; TOPMed 0.00003; ExAC 0.00007; gnomAD exomes 0.00010.
gnomAD v4.1: 29 of 1,614,064 alleles (0.0018%); highest among the groups gnomAD compares: East Asian, 0.065%; no homozygotes.

Submissions (5):

Labcorp Genetics (formerly Invitae), Labcorp
Classification: Likely benign for RASopathy. Last evaluated: 2025-12-30. Review status: criteria provided, single submitter. Criteria: Invitae Variant Classification Sherloc (09022015). Collection method: clinical testing. Allele origin: germline.

Women's Health and Genetics/Laboratory Corporation of America, LabCorp
Classification: Likely benign. Last evaluated: 2025-10-21. Review status: criteria provided, single submitter. Criteria: LabCorp Variant Classification Summary - May 2015. Collection method: clinical testing. Allele origin: germline.
Comment: Variant summary: CBL c.2316T>G (p.Asp772Glu) results in a conservative amino acid change in the encoded protein sequence. Algorithms developed to predict the effect of missense changes on protein structure and function are either unavailable or do not agree on the potential impact of this missense change. The variant allele was found at a frequency of 0.0001 in 251482 control chromosomes, predominantly at a frequency of 0.0014 within the East Asian subpopulation in the gnomAD database. The observed variant frequency within East Asian control individuals in the gnomAD database exceeds the estimated maximal expected allele frequency for disease-causing variants in CBL. To our knowledge, no occurrence of c.2316T>G in individuals affected with CBL-related conditions and no experimental evidence demonstrating its impact on protein function have been reported. ClinVar contains an entry for this variant (Variation ID: 477707). Based on the evidence outlined above, the variant was classified as likely benign.

GeneDx
Classification: Benign. Last evaluated: 2021-02-02. Review status: criteria provided, single submitter. Criteria: GeneDx Variant Classification Process June 2021. Collection method: clinical testing. Allele origin: germline. Affected: yes.

Illumina Laboratory Services, Illumina
Classification: Benign for CBL-related disorder. Last evaluated: 2018-01-13. Review status: criteria provided, single submitter. Criteria: ICSL Variant Classification Criteria 13 December 2019. Collection method: clinical testing. Allele origin: germline.
Comment: This variant was observed in the ICSL laboratory as part of a predisposition screen in an ostensibly healthy population. It had not been previously curated by ICSL or reported in the Human Gene Mutation Database (HGMD: prior to June 1st, 2018), and was therefore a candidate for classification through an automated scoring system. Utilizing variant allele frequency, disease prevalence and penetrance estimates, and inheritance mode, an automated score was calculated to assess if this variant is too frequent to cause the disease. Based on the score and internal cut-off values, a variant classified as benign is not then subjected to further curation. The score for this variant resulted in a classification of benign for this disease.

PreventionGenetics, part of Exact Sciences
Classification: Likely benign for CBL-related condition. Last evaluated: 2023-10-23. Review status: no assertion criteria provided. Collection method: clinical testing. Allele origin: germline. Not counted in ClinVar's aggregate classification.
Comment: This variant is classified as likely benign based on ACMG/AMP sequence variant interpretation guidelines (Richards et al. 2015 PMID: 25741868, with internal and published modifications).